The following is an entry in ClinVar:

NM_001365536.1(SCN9A):c.5389A>G (p.Ile1797Val)

Genes: SCN1A-AS1 (SCN1A and SCN9A antisense RNA 1; plus strand), SCN9A (sodium voltage-gated channel alpha subunit 9; minus strand). Cytogenetic location: 2q24.3.
Variant type: single nucleotide variant.
Coding change: c.5389A>G on transcript NM_001365536.1 (MANE Select); coding-DNA position 5389, A replaced by G.
Protein change: p.Ile1797Val; replaces isoleucine 1797 with valine.
Molecular consequence: missense variant.
Genome position (GRCh38, 1-based): chr2:166,199,250, T>C on the plus strand (A>G on the coding strand, the complement: SCN9A is on the minus strand). VCF-style: chr2-166199250-T-C. GRCh37 (hg19) VCF-style: chr2-167055760-T-C.
Other names: c.5356A>G, p.Ile1786Val (NM_002977.4); short protein forms I1786V, I1797V.
Identifiers: ClinVar variation 2943824 (VCV002943824.3), dbSNP rs1693359115, ClinGen allele CA349053097.

ClinVar aggregate classification (germline): Uncertain significance (1 of 4 stars; one submission).

Conditions:
Neuropathy, hereditary sensory and autonomic, type 2A (HSAN2A). Also called: ACROOSTEOLYSIS, GIACCAI TYPE; ACROOSTEOLYSIS, NEUROGENIC; MORVAN DISEASE; NEUROPATHY, CONGENITAL SENSORY; NEUROPATHY, HEREDITARY SENSORY RADICULAR, AUTOSOMAL RECESSIVE; NEUROPATHY, HEREDITARY SENSORY, TYPE IIA. Identifiers: Orphanet 970, MedGen C2752089, MONDO:0024309, OMIM 201300.
Generalized epilepsy with febrile seizures plus, type 7 (GEFSP7). Also called: GEFS+, TYPE 7. Identifiers: Orphanet 36387, MedGen C2751778, MONDO:0013470, OMIM 613863.

Allele frequency attached by ClinVar (database versions not stated): TOPMed below 0.00001.

Submission:

Labcorp Genetics (formerly Invitae), Labcorp
Classification: Uncertain significance for Neuropathy, hereditary sensory and autonomic, type 2A; Generalized epilepsy with febrile seizures plus, type 7. Last evaluated: 2024-12-09. Review status: criteria provided, single submitter. Criteria: Invitae Variant Classification Sherloc (09022015). Collection method: clinical testing. Allele origin: germline.
Comment: This sequence change replaces isoleucine, which is neutral and non-polar, with valine, which is neutral and non-polar, at codon 1786 of the SCN9A protein (p.Ile1786Val). This variant is not present in population databases (gnomAD no frequency). This variant has not been reported in the literature in individuals affected with SCN9A-related conditions. ClinVar contains an entry for this variant (Variation ID: 2943824). Invitae Evidence Modeling of protein sequence and biophysical properties (such as structural, functional, and spatial information, amino acid conservation, physicochemical variation, residue mobility, and thermodynamic stability) indicates that this missense variant is not expected to disrupt SCN9A protein function with a negative predictive value of 95%. In summary, the available evidence is currently insufficient to determine the role of this variant in disease. Therefore, it has been classified as a Variant of Uncertain Significance.